The following is an entry in ClinVar:

ClinVar aggregate classification (germline): Uncertain significance (1 of 4 stars; one submission).

Conditions:
Catecholaminergic polymorphic ventricular tachycardia 1. Also called: VENTRICULAR TACHYCARDIA, CATECHOLAMINERGIC POLYMORPHIC, 1, WITH OR WITHOUT ATRIAL DYSFUNCTION AND/OR DILATED CARDIOMYOPATHY; VENTRICULAR TACHYCARDIA, STRESS-INDUCED POLYMORPHIC 1; RYR2-Related Catecholaminergic Polymorphic Ventricular Tachycardia. Identifiers: Orphanet 3286, MedGen C1631597, MONDO:0011484, OMIM 604772.

Submission:

Labcorp Genetics (formerly Invitae), Labcorp
Classification: Uncertain significance for Catecholaminergic polymorphic ventricular tachycardia 1. Last evaluated: 2020-08-20. Review status: criteria provided, single submitter. Criteria: Invitae Variant Classification Sherloc (09022015). Collection method: clinical testing. Allele origin: germline.
Comment: In summary, the available evidence is currently insufficient to determine the role of this variant in disease. Therefore, it has been classified as a Variant of Uncertain Significance. Algorithms developed to predict the effect of missense changes on protein structure and function output the following: SIFT: "Tolerated"; PolyPhen-2: "Probably Damaging"; Align-GVGD: "Class C0". The cysteine amino acid residue is found in multiple mammalian species, suggesting that this missense change does not adversely affect protein function. These predictions have not been confirmed by published functional studies and their clinical significance is uncertain. This variant has not been reported in the literature in individuals with RYR2-related disease. This variant is not present in population databases (ExAC no frequency). This sequence change replaces serine with cysteine at codon 922 of the RYR2 protein (p.Ser922Cys). The serine residue is moderately conserved and there is a moderate physicochemical difference between serine and cysteine.

NM_001035.3(RYR2):c.2765C>G (p.Ser922Cys)

Gene: RYR2 (ryanodine receptor 2; plus strand). Cytogenetic location: 1q43.
Variant type: single nucleotide variant.
Coding change: c.2765C>G on transcript NM_001035.3 (MANE Select); coding-DNA position 2765, C replaced by G.
Protein change: p.Ser922Cys; replaces serine 922 with cysteine.
Molecular consequence: missense variant.
Genome position (GRCh38, 1-based): chr1:237,511,734, C>G. VCF-style: chr1-237511734-C-G. GRCh37 (hg19) VCF-style: chr1-237675034-C-G.
Other names: c.2765C>G, p.Ser922Cys (LRG_402t1); short protein forms S922C.
Identifiers: ClinVar variation 577033 (VCV000577033.10), dbSNP rs1558945798, ClinGen allele CA345383396.
Genomic context (GRCh38, chr1:237,511,734, plus strand): 5'-CTGTCCTGTTTCAGGTTAGAGATGACAACAAGAGACAACACCCATGCCTGGTGGAGTTCT[C>G]CAAGCTGCCTGAACAGGAGCGCAATTACAACTTACAAATGTCGCTTGAGACCCTGAAGTG-3'
Protein context (NP_001026.2, residues 912-932): KRQHPCLVEF[Ser922Cys]KLPEQERNYN